The following is an entry in ClinVar:

NM_005732.4(RAD50):c.3313A>G (p.Arg1105Gly)

Gene: RAD50 (RAD50 double strand break repair protein; plus strand). Cytogenetic location: 5q31.1.
Variant type: single nucleotide variant.
Coding change: c.3313A>G on transcript NM_005732.4 (MANE Select); coding-DNA position 3313, A replaced by G.
Protein change: p.Arg1105Gly; replaces arginine 1105 with glycine.
Molecular consequence: missense variant.
Genome position (GRCh38, 1-based): chr5:132,618,218, A>G. VCF-style: chr5-132618218-A-G. GRCh37 (hg19) VCF-style: chr5-131953910-A-G.
Other names: short protein forms R1105G.
Identifiers: ClinVar variation 484645 (VCV000484645.14), dbSNP rs1554099880, ClinGen allele CA360964829.

ClinVar aggregate classification (germline): Uncertain significance. Review status: criteria provided, multiple submitters, no conflicts (2 of 4 stars). 2 submissions from 2 submitters: Uncertain significance (2). Last evaluated 2025-06-13.

Conditions:
Hereditary cancer-predisposing syndrome. Also called: Neoplastic Syndromes, Hereditary; Tumor predisposition; Hereditary Cancer Syndrome; Hereditary neoplastic syndrome. Identifiers: Orphanet 140162, MedGen C0027672, MeSH D009386, MONDO:0015356.

Allele frequency attached by ClinVar (database versions not stated): gnomAD exomes below 0.00001.
gnomAD v4.1: 4 of 1,614,084 alleles (0.00025%); highest among the groups gnomAD compares: African/African-American, 0.0027%; no homozygotes.

Submissions (2):

Ambry Genetics
Classification: Uncertain significance for Hereditary cancer-predisposing syndrome. Last evaluated: 2025-06-13. Review status: criteria provided, single submitter. Criteria: Ambry Variant Classification Scheme 2023. Collection method: clinical testing. Allele origin: germline.
Comment: The p.R1105G variant (also known as c.3313A>G), located in coding exon 21 of the RAD50 gene, results from an A to G substitution at nucleotide position 3313. The arginine at codon 1105 is replaced by glycine, an amino acid with dissimilar properties. This variant was not reported in population based cohorts in the following databases: Database of Single Nucleotide Polymorphisms (dbSNP), NHLBI Exome Sequencing Project (ESP), and 1000 Genomes Project. In the ESP, this variant was not observed in 6502 samples (13004 alleles) with coverage at this position. To date, this alteration has been detected with an allele frequency of approximately 0.001% (greater than 175000 alleles tested) in our clinical cohort. This amino acid position is well conserved in available vertebrate species. In addition, the in silico prediction for this alteration is inconclusive. Since supporting evidence is limited at this time, the clinical significance of this alteration remains unclear.

Labcorp Genetics (formerly Invitae), Labcorp
Classification: Uncertain significance for Hereditary cancer-predisposing syndrome. Last evaluated: 2024-04-22. Review status: criteria provided, single submitter. Criteria: Invitae Variant Classification Sherloc (09022015). Collection method: clinical testing. Allele origin: germline.
Comment: This sequence change replaces arginine, which is basic and polar, with glycine, which is neutral and non-polar, at codon 1105 of the RAD50 protein (p.Arg1105Gly). This variant is not present in population databases (gnomAD no frequency). This variant has not been reported in the literature in individuals affected with RAD50-related conditions. ClinVar contains an entry for this variant (Variation ID: 484645). Advanced modeling of protein sequence and biophysical properties (such as structural, functional, and spatial information, amino acid conservation, physicochemical variation, residue mobility, and thermodynamic stability) performed at Invitae indicates that this missense variant is expected to disrupt RAD50 protein function with a positive predictive value of 80%. In summary, the available evidence is currently insufficient to determine the role of this variant in disease. Therefore, it has been classified as a Variant of Uncertain Significance.